The following is an entry in ClinVar:

ClinVar aggregate classification (germline): Conflicting classifications of pathogenicity. Review status: criteria provided, conflicting classifications (1 of 4 stars). 3 submissions from 3 submitters: Pathogenic (1); Uncertain significance (1). 1 of the submissions does not count toward it. Last evaluated 2022-04-16.

Conditions:
NMNAT1-related disorder. Also called: NMNAT1-related condition.
Leber congenital amaurosis 9 (LCA9). Also called: LCA 9; Amaurosis congenita of Leber, type 9; LCA9 Leber Congenital Amaurosis. Identifiers: Orphanet 65, MedGen C1837873, MONDO:0012056, OMIM 608553.

Allele frequency attached by ClinVar (database versions not stated): gnomAD exomes below 0.00001; ExAC 0.00001.
gnomAD v4.1: 2 of 1,612,088 alleles (0.00012%); highest among the groups gnomAD compares: Non-Finnish European, 0.00017%; no homozygotes.

Submissions (3):

Labcorp Genetics (formerly Invitae), Labcorp
Classification: Uncertain significance for Leber congenital amaurosis 9. Last evaluated: 2022-04-16. Review status: criteria provided, single submitter. Criteria: Invitae Variant Classification Sherloc (09022015). Collection method: clinical testing. Allele origin: germline.
Comment: Experimental studies have shown that this missense change affects NMNAT1 function (PMID: 22842230, 26018082). Algorithms developed to predict the effect of missense changes on protein structure and function are either unavailable or do not agree on the potential impact of this missense change (SIFT: "Deleterious"; PolyPhen-2: "Possibly Damaging"; Align-GVGD: "Class C0"). ClinVar contains an entry for this variant (Variation ID: 37136). This missense change has been observed in individual(s) with Leber congenital amaurosis (PMID: 22842230, 22842231). This variant is present in population databases (rs387907292, gnomAD 0.0009%). This sequence change replaces valine, which is neutral and non-polar, with phenylalanine, which is neutral and non-polar, at codon 151 of the NMNAT1 protein (p.Val151Phe). In summary, the available evidence is currently insufficient to determine the role of this variant in disease. Therefore, it has been classified as a Variant of Uncertain Significance.

Blueprint Genetics
Classification: Pathogenic for NMNAT1-related disorders. Last evaluated: 2020-03-25. Review status: criteria provided, single submitter. Criteria: ACMG Guidelines, 2015. Collection method: clinical testing. Allele origin: germline. Affected: yes. Observed: 1 variant allele.

OMIM
Classification: Pathogenic for LEBER CONGENITAL AMAUROSIS 9. Last evaluated: 2012-09-01. Review status: no assertion criteria provided. Collection method: literature only. Allele origin: germline. Not counted in ClinVar's aggregate classification.

Literature cited by the submitters: PubMed 22842230 (cited by Labcorp Genetics (formerly Invitae), Labcorp and OMIM); PubMed 26018082 (cited by Labcorp Genetics (formerly Invitae), Labcorp); PubMed 22842231 (cited by Labcorp Genetics (formerly Invitae), Labcorp and OMIM).

NM_022787.4(NMNAT1):c.451G>T (p.Val151Phe)

Gene: NMNAT1 (nicotinamide nucleotide adenylyltransferase 1; plus strand). Cytogenetic location: 1p36.22.
Variant type: single nucleotide variant.
Coding change: c.451G>T on transcript NM_022787.4 (MANE Select); coding-DNA position 451, G replaced by T.
Protein change: p.Val151Phe; replaces valine 151 with phenylalanine.
Molecular consequence: missense variant.
Genome position (GRCh38, 1-based): chr1:9,982,312, G>T. VCF-style: chr1-9982312-G-T. GRCh37 (hg19) VCF-style: chr1-10042370-G-T.
Other names: c.451G>T, p.Val151Phe (NM_001297778.1); short protein forms V151F.
Identifiers: ClinVar variation 37136 (VCV000037136.6), dbSNP rs387907292, ClinGen allele CA260594.